The following is an entry in ClinVar:

NM_203290.4(POLR1C):c.959T>C (p.Val320Ala)

Gene: POLR1C (RNA polymerase I and III subunit C; plus strand). Cytogenetic location: 6p21.1.
Variant type: single nucleotide variant.
Coding change: c.959T>C on transcript NM_203290.4 (MANE Select); coding-DNA position 959, T replaced by C.
Protein change: p.Val320Ala; replaces valine 320 with alanine.
Molecular consequence: missense variant. On other transcripts: intron variant (2).
Genome position (GRCh38, 1-based): chr6:43,521,218, T>C. VCF-style: chr6-43521218-T-C. GRCh37 (hg19) VCF-style: chr6-43488956-T-C.
Other names: c.922+170T>C (NM_001318876.2, NM_001363658.2); short protein forms V320A.
Identifiers: ClinVar variation 2132141 (VCV002132141.4), dbSNP rs2482896580, ClinGen allele CA364285302.

ClinVar aggregate classification (germline): Uncertain significance (1 of 4 stars; one submission).

Submission:

Labcorp Genetics (formerly Invitae), Labcorp
Classification: Uncertain significance. Last evaluated: 2022-04-30. Review status: criteria provided, single submitter. Criteria: Invitae Variant Classification Sherloc (09022015). Collection method: clinical testing. Allele origin: germline.
Comment: In summary, the available evidence is currently insufficient to determine the role of this variant in disease. Therefore, it has been classified as a Variant of Uncertain Significance. Algorithms developed to predict the effect of missense changes on protein structure and function are either unavailable or do not agree on the potential impact of this missense change (SIFT: "Not Available"; PolyPhen-2: "Benign"; Align-GVGD: "Not Available"). This variant has not been reported in the literature in individuals affected with POLR1C-related conditions. This variant is not present in population databases (gnomAD no frequency). This sequence change replaces valine, which is neutral and non-polar, with alanine, which is neutral and non-polar, at codon 320 of the POLR1C protein (p.Val320Ala).